The following is an entry in ClinVar:

NM_018928.3(PCDHGC4):c.1369C>T (p.Gln457Ter)

Genes: PCDHGA12 (protocadherin gamma subfamily A, 12; plus strand), PCDHGA2 (protocadherin gamma subfamily A, 2; plus strand), PCDHGA7 (protocadherin gamma subfamily A, 7; plus strand), PCDHGB5 (protocadherin gamma subfamily B, 5; plus strand), PCDHGB6 (protocadherin gamma subfamily B, 6; plus strand) and 17 more. Cytogenetic location: 5q31.3.
Variant type: single nucleotide variant.
Coding change: c.1369C>T on transcript NM_018928.3 (MANE Select); coding-DNA position 1369, C replaced by T.
Protein change: p.Gln457Ter; replaces glutamine 457 with a stop codon.
Molecular consequence: nonsense. On other transcripts: intron variant (23).
Genome position (GRCh38, 1-based): chr5:141,486,542, C>T. VCF-style: chr5-141486542-C-T. GRCh37 (hg19) VCF-style: chr5-140866109-C-T.
Other names: c.1369C>T, p.Gln457Ter (NM_032406.1); c.2422-8265C>T (NM_018912.3, NM_018923.3, NM_018918.3); c.2425-8265C>T (NM_018915.4, NM_018916.4, NM_018919.3 and 4 more transcripts); c.2410-8265C>T (NM_018922.3); c.2515-8265C>T (NM_018917.4); c.2416-8265C>T (NM_018924.5, NM_018927.4); c.2398-8265C>T (NM_003736.4, NM_018925.3); c.2419-8265C>T (NM_018926.3); and 6 more; short protein forms Q457*.
Identifiers: ClinVar variation 4281613 (VCV004281613.1).
Genomic context (GRCh38, chr5:141,486,542, plus strand): 5'-ACCCACAGAACTATTTTCCTCAATATTTCAGATGTGAATGATAATCCACCCTCTTTCTTT[C>T]AGAGGTCACATGAGGTGTTTGTTCCTGAGAACAATCGCCCAGGGGACCTGCTTTGCTCCC-3'

ClinVar aggregate classification (germline): Likely pathogenic (1 of 4 stars; one submission).

Conditions:
Neurodevelopmental disorder with poor growth and skeletal anomalies. Identifiers: MedGen C5676990, MONDO:0859252, OMIM 619880.

Submission:

Dr. Oladnabi Research Group, Golestan University of Medical Sciences
Classification: Likely pathogenic for Neurodevelopmental disorder with poor growth and skeletal anomalies. Review status: criteria provided, single submitter. Criteria: ACMG Guidelines, 2015. Collection method: research. Allele origin: germline. Inheritance: Autosomal recessive inheritance. Affected: yes. Observed: 1 homozygote.
Comment: The PCDHGC4 variant (NM_018928.3:c.1369C>T, p.Gln457Ter) introduces a premature stop codon at amino acid position 457, predicted to result in early termination of translation and loss of normal protocadherin gamma-C4 protein function through nonsense-mediated mRNA decay or the production of a truncated, nonfunctional protein. Based on the ACMG guidelines, this variant is classified as likely pathogenic, supported by PVS1 (Very Strong)—a null variant in a gene where loss of function is a known disease mechanism—and PM2 (Moderate)—the variant is absent or extremely rare in large population databases such as gnomAD.

Literature cited by the submitters: PubMed 34244665.